The following is an entry in ClinVar:

NM_000030.3(AGXT):c.1084G>A (p.Gly362Ser)

Gene: AGXT (alanine--glyoxylate aminotransferase; plus strand). Cytogenetic location: 2q37.3.
Variant type: single nucleotide variant.
Coding change: c.1084G>A on transcript NM_000030.3 (MANE Select); coding-DNA position 1084, G replaced by A.
Protein change: p.Gly362Ser; replaces glycine 362 with serine.
Molecular consequence: missense variant.
Genome position (GRCh38, 1-based): chr2:240,878,726, G>A. VCF-style: chr2-240878726-G-A. GRCh37 (hg19) VCF-style: chr2-241818143-G-A.
Other names: short protein forms G362S.
Identifiers: ClinVar variation 633034 (VCV000633034.12), dbSNP rs569643246, ClinGen allele CA2209415.

ClinVar aggregate classification (germline): Conflicting classifications of pathogenicity. Review status: criteria provided, conflicting classifications (1 of 4 stars). 5 submissions from 5 submitters: Pathogenic (1); Likely pathogenic (3); Uncertain significance (1). Last evaluated 2025-10-07.

Conditions:
Primary hyperoxaluria, type I (HP1). Also called: GLYCOLIC ACIDURIA; HEPATIC AGT DEFICIENCY; OXALOSIS I; Primary hyperoxaluria type 1. Identifiers: Orphanet 416, Orphanet 93598, MedGen C0268164, MONDO:0009823, OMIM 259900. Disease mechanism: loss of function.
Primary hyperoxaluria. Identifiers: Orphanet 416, MedGen C0020501, MONDO:0002474.

Allele frequency attached by ClinVar (database versions not stated): gnomAD 0.00001 and 0.00002; gnomAD exomes 0.00003; TOPMed 0.00003; ExAC 0.00009; 1000 Genomes Project 0.00020; 1000 Genomes Project 30x 0.00031.
gnomAD v4.1: 14 of 1,564,202 alleles (0.0009%); highest among the groups gnomAD compares: Middle Eastern, 0.017%; no homozygotes.

Submissions (5):

Natera, Inc.
Classification: Likely pathogenic for Primary hyperoxaluria type I. Last evaluated: 2025-10-07. Review status: criteria provided, single submitter. Criteria: Natera Variant Classification Schema (03/2026). Collection method: clinical testing. Allele origin: germline.
Comment: The c.1084G>A variant in AGXT is a missense variant predicted to cause substitution of glycine to serine at amino acid 362. This variant is rare in the general population with a frequency below the threshold expected for the associated phenotype(s). This variant has been observed in one or more individuals affected with the associated recessive disease, as either homozygous or compound heterozygous with a second variant (PMID: 25644115, 24988064). This variant has been identified in one or more affected individuals with a phenotype highly consistent with the associated gene (PMID: 24988064, 25644115). Computational prediction algorithms indicate this variant is likely to affect gene or protein function. Given the available evidence, this variant is classified as Likely Pathogenic.

Rare Kidney Stone Consortium and the Mayo Clinic Hyperoxaluria Center, Mayo Clinic
Classification: Pathogenic for Primary hyperoxaluria, type I. Last evaluated: 2025-10-03. Review status: criteria provided, single submitter. Criteria: ACMG Guidelines, 2015. Collection method: research. Allele origin: germline. Affected: yes. Observed: 1 variant allele.
Comment: ACMG:PM1, PM2, PP3, PP4

Fulgent Genetics
Classification: Likely pathogenic for Primary hyperoxaluria, type I. Last evaluated: 2024-05-20. Review status: criteria provided, single submitter. Criteria: ACMG Guidelines, 2015. Collection method: clinical testing. Allele origin: germline.

Labcorp Genetics (formerly Invitae), Labcorp
Classification: Uncertain significance. Last evaluated: 2021-09-17. Review status: criteria provided, single submitter. Criteria: Invitae Variant Classification Sherloc (09022015). Collection method: clinical testing. Allele origin: germline.
Comment: This sequence change replaces glycine with serine at codon 362 of the AGXT protein (p.Gly362Ser). The glycine residue is highly conserved and there is a small physicochemical difference between glycine and serine. This variant is present in population databases (rs569643246, ExAC 0.09%). This variant has been observed in individual(s) with primary hyperoxaluria (PMID: 25644115). ClinVar contains an entry for this variant (Variation ID: 633034). Advanced modeling of protein sequence and biophysical properties (such as structural, functional, and spatial information, amino acid conservation, physicochemical variation, residue mobility, and thermodynamic stability) performed at Invitae indicates that this missense variant is expected to disrupt AGXT protein function. In summary, the available evidence is currently insufficient to determine the role of this variant in disease. Therefore, it has been classified as a Variant of Uncertain Significance.

Women's Health and Genetics/Laboratory Corporation of America, LabCorp
Classification: Likely pathogenic for Primary hyperoxaluria. Last evaluated: 2018-11-19. Review status: criteria provided, single submitter. Criteria: LabCorp Variant Classification Summary - May 2015. Collection method: clinical testing. Allele origin: germline.
Comment: Variant summary: AGXT c.1084G>A (p.Gly362Ser) results in a non-conservative amino acid change located in the Aminotransferase class V domain of the encoded protein sequence. Five of five in-silico tools predict a damaging effect of the variant on protein function. The variant allele was found at a frequency of 3e-05 in 167718 control chromosomes (gnomAD). c.1084G>A has been reported in the literature and in our internal testing experience in compound heterozygous individuals affected with Primary Hyperoxaluria Type 1 (Mandrile 2014, Oppici 2015, Internal testing). These data indicate that the variant may be associated with disease. To our knowledge, no experimental evidence demonstrating an impact on protein function has been reported. No clinical diagnostic laboratories have submitted clinical-significance assessments for this variant to ClinVar after 2014. Based on the evidence outlined above, the variant was classified as likely pathogenic.

Literature cited by the submitters: PubMed 25644115 (cited by 3 submitters); PubMed 24988064 (cited by 3 submitters); PubMed 40794449 (cited by Rare Kidney Stone Consortium and the Mayo Clinic Hyperoxaluria Center, Mayo Clinic).